The following is an entry in ClinVar:

ClinVar aggregate classification (germline): Uncertain significance. Review status: criteria provided, multiple submitters, no conflicts (2 of 4 stars). 2 submissions from 2 submitters: Uncertain significance (2). Last evaluated 2025-10-27.

Conditions:
Congenital dyserythropoietic anemia, type II (CDAN2). Also called: DYSERYTHROPOIETIC ANEMIA, HEMPAS TYPE. Identifiers: Orphanet 98873, MedGen C1306589, MONDO:0009134, OMIM 224100.
Cowden syndrome 7 (CWS7). Identifiers: Orphanet 201, MedGen C4225179, MONDO:0014802, OMIM 616858.

Submissions (2):

Labcorp Genetics (formerly Invitae), Labcorp
Classification: Uncertain significance for Congenital dyserythropoietic anemia, type II; Cowden syndrome 7. Last evaluated: 2025-10-27. Review status: criteria provided, single submitter. Criteria: Invitae Variant Classification Sherloc (09022015). Collection method: clinical testing. Allele origin: germline.
Comment: This sequence change replaces glycine, which is neutral and non-polar, with valine, which is neutral and non-polar, at codon 267 of the SEC23B protein (p.Gly267Val). This variant is not present in population databases (gnomAD no frequency). This variant has not been reported in the literature in individuals affected with SEC23B-related conditions. ClinVar contains an entry for this variant (Variation ID: 2689933). Invitae Evidence Modeling of protein sequence and biophysical properties (such as structural, functional, and spatial information, amino acid conservation, physicochemical variation, residue mobility, and thermodynamic stability) indicates that this missense variant is expected to disrupt SEC23B protein function with a positive predictive value of 95%. In summary, the available evidence is currently insufficient to determine the role of this variant in disease. Therefore, it has been classified as a Variant of Uncertain Significance.

Revvity Omics, Revvity
Classification: Uncertain significance. Last evaluated: 2023-07-18. Review status: criteria provided, single submitter. Criteria: ACMG Guidelines, 2015. Collection method: clinical testing. Allele origin: germline.

NM_006363.6(SEC23B):c.800G>T (p.Gly267Val)

Gene: SEC23B (SEC23 homolog B, COPII component; plus strand). Cytogenetic location: 20p11.23.
Variant type: single nucleotide variant.
Coding change: c.800G>T on transcript NM_006363.6 (MANE Select); coding-DNA position 800, G replaced by T.
Protein change: p.Gly267Val; replaces glycine 267 with valine.
Molecular consequence: missense variant.
Genome position (GRCh38, 1-based): chr20:18,525,898, G>T. VCF-style: chr20-18525898-G-T. GRCh37 (hg19) VCF-style: chr20-18506542-G-T.
Other names: c.800G>T, p.Gly267Val (NM_001172745.3, NM_032985.6, NM_032986.5); c.746G>T, p.Gly249Val (NM_001172746.3); short protein forms G249V, G267V.
Identifiers: ClinVar variation 2689933 (VCV002689933.3), dbSNP rs754057624, ClinGen allele CA312396056.